The following is an entry in ClinVar:

ClinVar aggregate classification (germline): Uncertain significance (1 of 4 stars; one submission).

Submission:

GeneDx
Classification: Uncertain significance. Last evaluated: 2025-03-24. Review status: criteria provided, single submitter. Criteria: GeneDx Variant Classification Process June 2021. Collection method: clinical testing. Allele origin: germline. Affected: yes.
Comment: Not observed at significant frequency in large population cohorts (gnomAD); In silico analysis supports that this missense variant has a deleterious effect on protein structure/function; Has not been previously published as pathogenic or benign to our knowledge

NM_197968.4(ZMYM2):c.2482A>T (p.Thr828Ser)

Gene: ZMYM2 (zinc finger MYM-type containing 2; plus strand). Cytogenetic location: 13q12.11.
Variant type: single nucleotide variant.
Coding change: c.2482A>T on transcript NM_197968.4 (MANE Select); coding-DNA position 2482, A replaced by T.
Protein change: p.Thr828Ser; replaces threonine 828 with serine.
Molecular consequence: missense variant. On other transcripts: non-coding transcript variant (1).
Genome position (GRCh38, 1-based): chr13:20,052,300, A>T. VCF-style: chr13-20052300-A-T. GRCh37 (hg19) VCF-style: chr13-20626440-A-T.
Other names: c.2482A>T, p.Thr828Ser (NM_001190964.4, NM_001190965.4, NM_001353157.2 and 5 more transcripts); c.2287A>T, p.Thr763Ser (NM_001353161.3); c.2221A>T, p.Thr741Ser (NM_001353163.2); short protein forms T741S, T763S, T828S.
Identifiers: ClinVar variation 4087806 (VCV004087806.1).
Genomic context (GRCh38, chr13:20,052,300, plus strand): 5'-GTATTTGTCTTATTTTAAATTTTTTTGTGTTTTTTAGATCAGGGTTGTCAGACATCTCGA[A>T]CCAAAATGACAGTAAGTATTGGTGAAATGGAGTGCTGAATTGTGATTTTTGTAATATGGG-3'
Protein context (NP_932072.1, residues 818-838): HYDQGCQTSR[Thr828Ser]KMTGSAPPPS